The following is an entry in ClinVar:

ClinVar aggregate classification (germline): Benign/Likely benign. Review status: criteria provided, multiple submitters, no conflicts (2 of 4 stars). 5 submissions from 5 submitters: Benign (2); Likely benign (2). 1 of the submissions does not count toward it. Last evaluated 2026-02-01.

Conditions:
Hereditary spastic paraplegia. Also called: Familial spastic paraparesis. Identifiers: Orphanet 685, MedGen C0037773, MONDO:0019064. Disease mechanism: loss of function.
Hereditary spastic paraplegia 39 (SPG39). Also called: Spastic Paraplegia Type 39 (SPG39); SPASTIC PARAPLEGIA 39, AUTOSOMAL RECESSIVE. Identifiers: Orphanet 139480, MedGen C2677586, MONDO:0012787, OMIM 612020.
PNPLA6-related disorder. Also called: PNPLA6-related disorders; PNPLA6-related condition.

Allele frequency attached by ClinVar (database versions not stated): gnomAD 0.00005 and 0.00062; TOPMed 0.00016; gnomAD exomes 0.00117 and 0.00241; ExAC 0.00275; 1000 Genomes Project 30x 0.00328; 1000 Genomes Project 0.00339.
gnomAD v4.1: 1,805 of 1,614,048 alleles (0.11%); highest among the groups gnomAD compares: South Asian, 1.9%; 30 homozygotes.

Submissions (5):

Labcorp Genetics (formerly Invitae), Labcorp
Classification: Benign for Hereditary spastic paraplegia 39. Last evaluated: 2026-02-01. Review status: criteria provided, single submitter. Criteria: Invitae Variant Classification Sherloc (09022015). Collection method: clinical testing. Allele origin: germline.

Mayo Clinic Laboratories, Mayo Clinic
Classification: Benign. Last evaluated: 2022-06-27. Review status: criteria provided, single submitter. Criteria: ACMG Guidelines, 2015. Collection method: clinical testing. Allele origin: germline. Observed: 2 variant alleles.
Comment: BS1, BS2, BP4, BP7

Illumina Laboratory Services, Illumina
Classification: Likely benign for Hereditary spastic paraplegia 39. Last evaluated: 2018-01-13. Review status: criteria provided, single submitter. Criteria: ICSL Variant Classification Criteria 13 December 2019. Collection method: clinical testing. Allele origin: germline.
Comment: This variant was observed in the ICSL laboratory as part of a predisposition screen in an ostensibly healthy population. It had not been previously curated by ICSL or reported in the Human Gene Mutation Database (HGMD: prior to June 1st, 2018), and was therefore a candidate for classification through an automated scoring system. Utilizing variant allele frequency, disease prevalence and penetrance estimates, and inheritance mode, an automated score was calculated to assess if this variant is too frequent to cause the disease. Based on the score and internal cut-off values, a variant classified as likely benign is not then subjected to further curation. The score for this variant resulted in a classification of likely benign for this disease.

Genome Diagnostics Laboratory, The Hospital for Sick Children
Classification: Likely benign for Hereditary spastic paraplegia. Last evaluated: 2016-12-12. Review status: criteria provided, single submitter. Criteria: ACMG Guidelines, 2015. Collection method: clinical testing. Allele origin: germline. Affected: yes.

PreventionGenetics, part of Exact Sciences
Classification: Likely benign for PNPLA6-related condition. Last evaluated: 2019-10-14. Review status: no assertion criteria provided. Collection method: clinical testing. Allele origin: germline. Not counted in ClinVar's aggregate classification.
Comment: This variant is classified as likely benign based on ACMG/AMP sequence variant interpretation guidelines (Richards et al. 2015 PMID: 25741868, with internal and published modifications).

NM_001166114.2(PNPLA6):c.976C>T (p.Leu326=)

Gene: PNPLA6 (patatin like domain 6, lysophospholipase; plus strand). Cytogenetic location: 19p13.2.
Variant type: single nucleotide variant.
Coding change: c.976C>T on transcript NM_001166114.2 (MANE Select); coding-DNA position 976, C replaced by T.
Protein change: p.Leu326=; no amino-acid change (leucine 326 retained).
Molecular consequence: synonymous variant.
Genome position (GRCh38, 1-based): chr19:7,541,405, C>T. VCF-style: chr19-7541405-C-T. GRCh37 (hg19) VCF-style: chr19-7606291-C-T.
Other names: p.Leu287=; c.1003C>T (NM_001166111.1); c.1003C>T, p.Leu335= (NM_001166111.2); c.859C>T, p.Leu287= (NM_001166112.2, NM_001166113.1, NM_006702.5).
Identifiers: ClinVar variation 330518 (VCV000330518.20), dbSNP rs559393431, ClinGen allele CA9139633.